The following is an entry in ClinVar:

NM_018133.4(MSL2):c.318A>C (p.Leu106=)

Gene: MSL2 (MSL complex subunit 2; minus strand). Cytogenetic location: 3q22.3.
Variant type: single nucleotide variant.
Coding change: c.318A>C on transcript NM_018133.4 (MANE Select); coding-DNA position 318, A replaced by C.
Protein change: p.Leu106=; no amino-acid change (leucine 106 retained).
Molecular consequence: synonymous variant.
Genome position (GRCh38, 1-based): chr3:136,152,563, T>G on the plus strand (A>C on the coding strand, the complement: MSL2 is on the minus strand). VCF-style: chr3-136152563-T-G. GRCh37 (hg19) VCF-style: chr3-135871405-T-G.
Other names: c.96A>C, p.Leu32= (NM_001145417.2).
Identifiers: ClinVar variation 4534159 (VCV004534159.6).

ClinVar aggregate classification (germline): Likely benign (1 of 4 stars; one submission).

gnomAD v4.1: 26 of 1,614,196 alleles (0.0016%); highest among the groups gnomAD compares: East Asian, 0.053%; no homozygotes.

Submission:

CeGaT Center for Human Genetics Tuebingen
Classification: Likely benign. Last evaluated: 2025-10-01. Review status: criteria provided, single submitter. Criteria: CeGaT Center For Human Genetics Tuebingen Variant Classification Criteria Version 2. Collection method: clinical testing. Allele origin: germline. Affected: yes. Observed: 1 variant allele.
Comment: MSL2: BP4, BP7